The following is an entry in ClinVar:

ClinVar aggregate classification (germline): Uncertain significance (1 of 4 stars; one submission).

Conditions:
Hereditary cancer-predisposing syndrome. Also called: Hereditary Cancer Syndrome; Neoplastic Syndromes, Hereditary; Tumor predisposition; Hereditary neoplastic syndrome. Identifiers: Orphanet 140162, MedGen C0027672, MeSH D009386, MONDO:0015356.

gnomAD v4.1: 2 of 1,614,166 alleles (0.00012%); highest among the groups gnomAD compares: African/African-American, 0.0027%; no homozygotes.

Submission:

Ambry Genetics
Classification: Uncertain significance for Hereditary cancer-predisposing syndrome. Last evaluated: 2026-07-07. Review status: criteria provided, single submitter. Criteria: Ambry Variant Classification Scheme 2023. Collection method: clinical testing. Allele origin: germline.
Comment: The p.S658R variant (also known as c.1972A>C), located in coding exon 16 of the EGFR gene, results from an A to C substitution at nucleotide position 1972. The serine at codon 658 is replaced by arginine, an amino acid with dissimilar properties. This amino acid position is conserved. In addition, this alteration is predicted to be tolerated by in silico analysis. Based on the available evidence, the clinical significance of this variant remains unclear.

NM_005228.5(EGFR):c.1881-777A>C

Gene: EGFR (epidermal growth factor receptor; plus strand). Cytogenetic location: 7p11.2.
Variant type: single nucleotide variant.
Coding change: c.1881-777A>C on transcript NM_005228.5 (MANE Select); 777 bases into the intron before coding-DNA position 1881, A replaced by C.
Molecular consequence: intron variant. On other transcripts: missense variant (1).
Genome position (GRCh38, 1-based): chr7:55,170,398, A>C. VCF-style: chr7-55170398-A-C. GRCh37 (hg19) VCF-style: chr7-55238091-A-C.
Other names: c.1972A>C, p.Ser658Arg (NM_201284.2); c.1746-777A>C (NM_001346899.2, NM_001346897.2); c.1080-777A>C (NM_001346941.2); c.1881-777A>C (NM_001346898.2); c.1722-777A>C (NM_001346900.2); short protein forms S658R.
Identifiers: ClinVar variation 5035771 (VCV005035771.1).